The following is an entry in ClinVar:

NM_000138.5(FBN1):c.1042C>T (p.Gln348Ter)

Genes: FBN1 (fibrillin 1; minus strand), LOC113939944 (Sharpr-MPRA regulatory region 9539; plus strand). Cytogenetic location: 15q21.1.
Variant type: single nucleotide variant.
Coding change: c.1042C>T on transcript NM_000138.5 (MANE Select); coding-DNA position 1042, C replaced by T.
Protein change: p.Gln348Ter; replaces glutamine 348 with a stop codon.
Molecular consequence: nonsense.
Genome position (GRCh38, 1-based): chr15:48,520,764, G>A on the plus strand (C>T on the coding strand, the complement: FBN1 is on the minus strand). VCF-style: chr15-48520764-G-A. GRCh37 (hg19) VCF-style: chr15-48812961-G-A.
Other names: short protein forms Q348*.
Identifiers: ClinVar variation 265446 (VCV000265446.9), dbSNP rs886039550, ClinGen allele CA10588589.

ClinVar aggregate classification (germline): Pathogenic/Likely pathogenic. Review status: criteria provided, multiple submitters, no conflicts (2 of 4 stars). 4 submissions from 4 submitters: Pathogenic (2); Likely pathogenic (2). Last evaluated 2022-01-07.

Conditions:
Familial thoracic aortic aneurysm and aortic dissection (TAAD). Also called: Thoracic aortic aneurysms and dissections. Identifiers: Orphanet 91387, MedGen C4707243, MONDO:0019625.
Marfan syndrome (MFS). Also called: Marfan syndrome type 1; Marfan's syndrome; MARFAN SYNDROME, TYPE I; Marfan syndrome, classic; FBN1-Related Marfan Syndrome. Identifiers: Orphanet 284963, Orphanet 558, MedGen C0024796, MONDO:0007947, OMIM 154700.
Marfan Syndrome/Loeys-Dietz Syndrome/Familial Thoracic Aortic Aneurysms and Dissections. Identifiers: MedGen CN229799.

Submissions (4):

Genetics and Molecular Pathology, SA Pathology
Classification: Pathogenic for Marfan syndrome. Last evaluated: 2022-01-07. Review status: criteria provided, single submitter. Criteria: ACMG Guidelines, 2015. Collection method: clinical testing. Allele origin: germline. Affected: yes.

Women's Health and Genetics/Laboratory Corporation of America, LabCorp
Classification: Likely pathogenic for Marfan Syndrome/Loeys-Dietz Syndrome/Familial Thoracic Aortic Aneurysms and Dissections. Last evaluated: 2021-10-11. Review status: criteria provided, single submitter. Criteria: LabCorp Variant Classification Summary - May 2015. Collection method: clinical testing. Allele origin: germline.
Comment: Variant summary: FBN1 c.1042C>T (p.Gln348X) results in a premature termination codon, predicted to cause a truncation of the encoded protein or absence of the protein due to nonsense mediated decay, which are commonly known mechanisms for disease. Truncations downstream of this position have been classified as pathogenic by our laboratory. The variant was absent in 251352 control chromosomes (gnomeAD). c.1042C>T has been reported in the literature in individuals affected with Marfan Syndrome (example, Arbustini_2005, Attanasio_2008, and Mariucci_2021). These data indicate that the variant is very likely to be associated with disease. To our knowledge, no experimental evidence demonstrating an impact on protein function has been reported. One clinical diagnostic laboratory has submitted clinical-significance assessments for this variant to ClinVar after 2014 and classified the variant as pathogenic. Based on the evidence outlined above, the variant was classified as likely pathogenic.

GeneDx
Classification: Pathogenic. Last evaluated: 2020-06-23. Review status: criteria provided, single submitter. Criteria: GeneDx Variant Classification Process June 2021. Collection method: clinical testing. Allele origin: germline. Affected: yes.
Comment: Not observed in large population cohorts (Lek et al., 2016); Nonsense variant predicted to result in protein truncation or nonsense mediated decay in a gene for which loss-of-function is a known mechanism of disease; This variant is associated with the following publications: (PMID: 25525159, 16222657, 24941995, 18435798)

CHEO Genetics Diagnostic Laboratory, Children's Hospital of Eastern Ontario
Classification: Likely pathogenic for Familial thoracic aortic aneurysm and aortic dissection. Last evaluated: 2019-09-26. Review status: criteria provided, single submitter. Criteria: ACMG Guidelines, 2015. Collection method: clinical testing. Allele origin: germline.

Literature cited by the submitters: PubMed 16222657 (cited by Women's Health and Genetics/Laboratory Corporation of America, LabCorp); PubMed 18435798 (cited by Women's Health and Genetics/Laboratory Corporation of America, LabCorp); PubMed 25525159 (cited by Women's Health and Genetics/Laboratory Corporation of America, LabCorp); PubMed 33711475 (cited by Women's Health and Genetics/Laboratory Corporation of America, LabCorp).